The following is an entry in ClinVar:

NM_001171.6(ABCC6):c.1575G>T (p.Leu525Phe)

Gene: ABCC6 (ATP binding cassette subfamily C member 6; minus strand). Cytogenetic location: 16p13.11.
Variant type: single nucleotide variant.
Coding change: c.1575G>T on transcript NM_001171.6 (MANE Select); coding-DNA position 1575, G replaced by T.
Protein change: p.Leu525Phe; replaces leucine 525 with phenylalanine.
Molecular consequence: missense variant. On other transcripts: non-coding transcript variant (1).
Genome position (GRCh38, 1-based): chr16:16,190,224, C>A on the plus strand (G>T on the coding strand, the complement: ABCC6 is on the minus strand). VCF-style: chr16-16190224-C-A. GRCh37 (hg19) VCF-style: chr16-16284081-C-A.
Other names: c.1575G>T (NM_001171.5); c.1233G>T, p.Leu411Phe (NM_001351800.1); short protein forms L411F, L525F.
Identifiers: ClinVar variation 1011787 (VCV001011787.9), dbSNP rs1348337015, ClinGen allele CA394889638.
Genomic context (GRCh38, chr16:16,190,224, plus strand): 5'-CAGAAATGTAGACACTTGGAAGGACACCAGCGACACAGAGAAGAGGAGGCCGGAGGTCCG[C>A]AAGGCGCCCAGCTCCTGGCCTCGGATGCCCAGGACTCTGTCCAGAAAGGCTCCCTCCCAG-3'
Protein context (NP_001162.5, residues 515-535): LGIRGQELGA[Leu525Phe]RTSGLLFSVS

ClinVar aggregate classification (germline): Uncertain significance. Review status: criteria provided, multiple submitters, no conflicts (2 of 4 stars). 3 submissions from 3 submitters: Uncertain significance (3). Last evaluated 2026-02-12.

Conditions:
ABCC6-related disorder. Also called: ABCC6-related condition.
Arterial calcification, generalized, of infancy, 2. Identifiers: Orphanet 51608, MedGen C3276161, MONDO:0013768, OMIM 614473.
Autosomal recessive inherited pseudoxanthoma elasticum (PXE). Identifiers: Orphanet 758, MedGen CN032334, MONDO:0009925, OMIM 264800.
Pseudoxanthoma elasticum, forme fruste. Also called: PSEUDOXANTHOMA ELASTICUM, HETEROZYGOUS; Pseudoxanthoma Elasticum, Incomplete. Identifiers: Orphanet 758, MedGen C1867450, MONDO:0008333, OMIM 177850.

Allele frequency attached by ClinVar (database versions not stated): TOPMed below 0.00001; gnomAD 0.00001; gnomAD exomes 0.00002.
gnomAD v4.1: 32 of 1,613,992 alleles (0.002%); highest among the groups gnomAD compares: Non-Finnish European, 0.0027%; no homozygotes.

Submissions (3):

PreventionGenetics, part of Exact Sciences
Classification: Uncertain significance for ABCC6-related condition. Last evaluated: 2026-02-12. Review status: criteria provided, single submitter. Criteria: ACMG Guidelines, 2015. Collection method: clinical testing. Allele origin: germline.
Comment: The ABCC6 c.1575G>T variant is predicted to result in the amino acid substitution p.Leu525Phe. To our knowledge, this variant has not been reported in the literature. This variant is reported in 0.0039% of alleles in individuals of European (Non-Finnish) descent in gnomAD. At this time, the clinical significance of this variant is uncertain due to the absence of conclusive functional and genetic evidence.

Labcorp Genetics (formerly Invitae), Labcorp
Classification: Uncertain significance. Last evaluated: 2025-03-06. Review status: criteria provided, single submitter. Criteria: Invitae Variant Classification Sherloc (09022015). Collection method: clinical testing. Allele origin: germline.
Comment: This sequence change replaces leucine, which is neutral and non-polar, with phenylalanine, which is neutral and non-polar, at codon 525 of the ABCC6 protein (p.Leu525Phe). This variant is present in population databases (no rsID available, gnomAD 0.004%). This variant has not been reported in the literature in individuals affected with ABCC6-related conditions. ClinVar contains an entry for this variant (Variation ID: 1011787). Invitae Evidence Modeling of protein sequence and biophysical properties (such as structural, functional, and spatial information, amino acid conservation, physicochemical variation, residue mobility, and thermodynamic stability) indicates that this missense variant is expected to disrupt ABCC6 protein function with a positive predictive value of 95%. In summary, the available evidence is currently insufficient to determine the role of this variant in disease. Therefore, it has been classified as a Variant of Uncertain Significance.

Fulgent Genetics
Classification: Uncertain significance for Pseudoxanthoma elasticum, forme fruste; Autosomal recessive inherited pseudoxanthoma elasticum; Arterial calcification, generalized, of infancy, 2. Last evaluated: 2024-02-29. Review status: criteria provided, single submitter. Criteria: ACMG Guidelines, 2015. Collection method: clinical testing. Allele origin: germline.